The following is an entry in ClinVar:

NM_004859.4(CLTC):c.3164T>C (p.Ile1055Thr)

Gene: CLTC (clathrin heavy chain; plus strand). Cytogenetic location: 17q23.1.
Variant type: single nucleotide variant.
Coding change: c.3164T>C on transcript NM_004859.4 (MANE Select); coding-DNA position 3164, T replaced by C.
Protein change: p.Ile1055Thr; replaces isoleucine 1055 with threonine.
Molecular consequence: missense variant.
Genome position (GRCh38, 1-based): chr17:59,681,393, T>C. VCF-style: chr17-59681393-T-C. GRCh37 (hg19) VCF-style: chr17-57758754-T-C.
Other names: c.3176T>C, p.Ile1059Thr (NM_001288653.2); short protein forms I1055T, I1059T.
Identifiers: ClinVar variation 1311658 (VCV001311658.3), dbSNP rs2143591573, ClinGen allele CA400417152.

ClinVar aggregate classification (germline): Uncertain significance (1 of 4 stars; one submission).

Submission:

GeneDx
Classification: Uncertain significance. Last evaluated: 2025-10-15. Review status: criteria provided, single submitter. Criteria: GeneDx Variant Classification Process June 2021. Collection method: clinical testing. Allele origin: germline. Affected: yes.
Comment: Not observed at significant frequency in large population cohorts (gnomAD); In silico analysis supports that this missense variant has a deleterious effect on protein structure/function; Has not been previously published as pathogenic or benign to our knowledge